The following is an entry in ClinVar:

NM_033026.6(PCLO):c.2778_2783del (p.Val927_Thr928del)

Gene: PCLO (piccolo presynaptic cytomatrix protein; minus strand). Cytogenetic location: 7q21.11.
Variant type: Deletion.
Coding change: c.2778_2783del on transcript NM_033026.6 (MANE Select); coding-DNA positions 2778 to 2783, 6 bases deleted (CGTGAC; older notation c.2778_2783delCGTGAC).
Protein change: p.Val927_Thr928del.
Molecular consequence: inframe deletion.
Genome position (GRCh38, 1-based): chr7:83,134,767-83,134,772, GTCACG deleted on the plus strand (CGTGAC on the coding strand, the reverse complement: PCLO is on the minus strand); deleting any 6 consecutive bases within chr7:83,134,767-83,134,775 gives the same sequence; the c. name uses the placement nearest the transcript's 3' end. VCF-style (leftmost placement, unchanged base first): chr7-83134766-AGTCACG-A. GRCh37 (hg19) VCF-style: chr7-82764082-AGTCACG-A.
Other names: c.2778_2783del, p.Val927_Thr928del (NM_014510.3).
Identifiers: ClinVar variation 2007275 (VCV002007275.4), dbSNP rs2484835053, ClinGen allele CA2580077422.

ClinVar aggregate classification (germline): Uncertain significance (1 of 4 stars; one submission).

Submission:

Labcorp Genetics (formerly Invitae), Labcorp
Classification: Uncertain significance. Last evaluated: 2024-10-26. Review status: criteria provided, single submitter. Criteria: Invitae Variant Classification Sherloc (09022015). Collection method: clinical testing. Allele origin: germline.
Comment: This variant, c.2778_2783del, results in the deletion of 2 amino acid(s) of the PCLO protein (p.Val927_Thr928del), but otherwise preserves the integrity of the reading frame. This variant is not present in population databases (gnomAD no frequency). This variant has not been reported in the literature in individuals affected with PCLO-related conditions. ClinVar contains an entry for this variant (Variation ID: 2007275). Experimental studies and prediction algorithms are not available or were not evaluated, and the functional significance of this variant is currently unknown. In summary, the available evidence is currently insufficient to determine the role of this variant in disease. Therefore, it has been classified as a Variant of Uncertain Significance.